The following is an entry in ClinVar:

ClinVar aggregate classification (germline): Uncertain significance. Review status: criteria provided, single submitter (1 of 4 stars). 2 submissions from 2 submitters: Uncertain significance (1). 1 of the submissions does not count toward it. Last evaluated 2021-08-27.

Conditions:
Achromatopsia. Also called: Rod monochromatism. Identifiers: Orphanet 49382, MedGen C0152200, MONDO:0018852, HP:0011516.

Allele frequency attached by ClinVar (database versions not stated): gnomAD exomes below 0.00001 and 0.00001; TOPMed below 0.00001.
gnomAD v4.1: 3 of 1,579,822 alleles (0.00019%); highest among the groups gnomAD compares: African/African-American, 0.0013%; no homozygotes.

Submissions (2):

Labcorp Genetics (formerly Invitae), Labcorp
Classification: Uncertain significance. Last evaluated: 2021-08-27. Review status: criteria provided, single submitter. Criteria: Invitae Variant Classification Sherloc (09022015). Collection method: clinical testing. Allele origin: germline.
Comment: This sequence change replaces valine with methionine at codon 285 of the CNGB3 protein (p.Val285Met). The valine residue is moderately conserved and there is a small physicochemical difference between valine and methionine. This variant is not present in population databases (ExAC no frequency). This variant has not been reported in the literature in individuals affected with CNGB3-related conditions. Algorithms developed to predict the effect of missense changes on protein structure and function output the following: SIFT: "Deleterious"; PolyPhen-2: "Benign"; Align-GVGD: "Class C0". The methionine amino acid residue is found in multiple mammalian species, which suggests that this missense change does not adversely affect protein function. In summary, the available evidence is currently insufficient to determine the role of this variant in disease. Therefore, it has been classified as a Variant of Uncertain Significance.

Natera, Inc.
Classification: Uncertain significance for Achromatopsia. Last evaluated: 2021-08-02. Review status: no assertion criteria provided. Collection method: clinical testing. Allele origin: germline. Not counted in ClinVar's aggregate classification.

NM_019098.5(CNGB3):c.853G>A (p.Val285Met)

Gene: CNGB3 (cyclic nucleotide gated channel subunit beta 3; minus strand). Cytogenetic location: 8q21.3.
Variant type: single nucleotide variant.
Coding change: c.853G>A on transcript NM_019098.5 (MANE Select); coding-DNA position 853, G replaced by A.
Protein change: p.Val285Met; replaces valine 285 with methionine.
Molecular consequence: missense variant.
Genome position (GRCh38, 1-based): chr8:86,654,062, C>T on the plus strand (G>A on the coding strand, the complement: CNGB3 is on the minus strand). VCF-style: chr8-86654062-C-T. GRCh37 (hg19) VCF-style: chr8-87666290-C-T.
Other names: short protein forms V285M.
Identifiers: ClinVar variation 1018408 (VCV001018408.7), dbSNP rs1042970165, ClinGen allele CA180355265.